The following is an entry in ClinVar:

ClinVar aggregate classification (germline): Uncertain significance (1 of 4 stars; one submission).

Allele frequency attached by ClinVar (database versions not stated): gnomAD exomes below 0.00001; ExAC 0.00001.
gnomAD v4.1: 2 of 1,614,130 alleles (0.00012%); highest among the groups gnomAD compares: East Asian, 0.0045%; no homozygotes.

Submission:

Labcorp Genetics (formerly Invitae), Labcorp
Classification: Uncertain significance. Last evaluated: 2025-07-07. Review status: criteria provided, single submitter. Criteria: Invitae Variant Classification Sherloc (09022015). Collection method: clinical testing. Allele origin: germline.
Comment: This sequence change replaces aspartic acid, which is acidic and polar, with glutamic acid, which is acidic and polar, at codon 148 of the CRAT protein (p.Asp148Glu). This variant is present in population databases (rs770115122, gnomAD 0.01%). This variant has not been reported in the literature in individuals affected with CRAT-related conditions. ClinVar contains an entry for this variant (Variation ID: 2795234). Invitae Evidence Modeling of protein sequence and biophysical properties (such as structural, functional, and spatial information, amino acid conservation, physicochemical variation, residue mobility, and thermodynamic stability) indicates that this missense variant is not expected to disrupt CRAT protein function with a negative predictive value of 80%. In summary, the available evidence is currently insufficient to determine the role of this variant in disease. Therefore, it has been classified as a Variant of Uncertain Significance.

NM_000755.5(CRAT):c.444T>G (p.Asp148Glu)

Gene: CRAT (carnitine O-acetyltransferase; minus strand). Cytogenetic location: 9q34.11.
Variant type: single nucleotide variant.
Coding change: c.444T>G on transcript NM_000755.5 (MANE Select); coding-DNA position 444, T replaced by G.
Protein change: p.Asp148Glu; replaces aspartic acid 148 with glutamic acid.
Molecular consequence: missense variant.
Genome position (GRCh38, 1-based): chr9:129,103,033, A>C on the plus strand (T>G on the coding strand, the complement: CRAT is on the minus strand). VCF-style: chr9-129103033-A-C. GRCh37 (hg19) VCF-style: chr9-131865312-A-C.
Other names: c.381T>G, p.Asp127Glu (NM_001257363.3, NM_001346548.2, NM_004003.4); c.447T>G, p.Asp149Glu (NM_001346546.2); c.444T>G, p.Asp148Glu (NM_001346547.2); c.324T>G, p.Asp108Glu (NM_001346549.2); short protein forms D148E, D127E, D108E, D149E.
Identifiers: ClinVar variation 2795234 (VCV002795234.3), dbSNP rs770115122, ClinGen allele CA5275754.